The following is an entry in ClinVar:

NM_003072.5(SMARCA4):c.1996G>A (p.Glu666Lys)

Gene: SMARCA4 (SWI/SNF related BAF chromatin remodeling complex subunit ATPase 4; plus strand). Cytogenetic location: 19p13.2.
Variant type: single nucleotide variant.
Coding change: c.1996G>A on transcript NM_003072.5 (MANE Select); coding-DNA position 1996, G replaced by A.
Protein change: p.Glu666Lys; replaces glutamic acid 666 with lysine.
Molecular consequence: missense variant. On other transcripts: non-coding transcript variant (1).
Genome position (GRCh38, 1-based): chr19:11,003,392, G>A. VCF-style: chr19-11003392-G-A. GRCh37 (hg19) VCF-style: chr19-11114068-G-A.
Other names: c.1996G>A, p.Glu666Lys (NM_001128844.3, NM_001128845.2, NM_001128846.2 and 6 more transcripts); short protein forms E666K.
Identifiers: ClinVar variation 1784059 (VCV001784059.2), dbSNP rs2146109671, ClinGen allele CA404052317.

ClinVar aggregate classification (germline): Uncertain significance (1 of 4 stars; one submission).

Conditions:
Hereditary cancer-predisposing syndrome. Also called: Neoplastic Syndromes, Hereditary; Tumor predisposition; Hereditary Cancer Syndrome; Hereditary neoplastic syndrome. Identifiers: Orphanet 140162, MedGen C0027672, MeSH D009386, MONDO:0015356.

Allele frequency attached by ClinVar (database versions not stated): gnomAD exomes below 0.00001.
gnomAD v4.1: 1 of 1,613,844 alleles (0.000062%); no homozygotes.

Submission:

Ambry Genetics
Classification: Uncertain significance for Hereditary cancer-predisposing syndrome. Last evaluated: 2022-09-02. Review status: criteria provided, single submitter. Criteria: Ambry Variant Classification Scheme 2023. Collection method: clinical testing. Allele origin: germline.
Comment: The p.E666K variant (also known as c.1996G>A), located in coding exon 12 of the SMARCA4 gene, results from a G to A substitution at nucleotide position 1996. The glutamic acid at codon 666 is replaced by lysine, an amino acid with similar properties. This amino acid position is well conserved in available vertebrate species. In addition, this alteration is predicted to be tolerated by in silico analysis. Missense and in-frame variants in SMARCA4 are known to cause neurodevelopmental disorders; however, such associations with rhabdoid tumor predisposition syndrome including small cell carcinoma of the ovary-hypercalcemic type (SCCOHT) are exceedingly rare (Kosho T et al. Am J Med Genet C Semin Med Genet. 2014 Sep;166C(3):262-75; Jelinic P et al. Nat Genet. 2014 May;46(5):424-6). Based on the supporting evidence, the association of this alteration with Coffin-Siris syndrome is unknown; however, the association of this alteration with rhabdoid tumor predisposition syndrome is unlikely.